The following is an entry in ClinVar:

ClinVar aggregate classification (germline): Uncertain significance. Review status: criteria provided, multiple submitters, no conflicts (2 of 4 stars). 3 submissions from 3 submitters: Uncertain significance (3). Last evaluated 2026-07-12.

Conditions:
Classic or attenuated familial adenomatous polyposis. Identifiers: MedGen CN372698, MONDO:0021057.
Hereditary cancer-predisposing syndrome. Also called: Hereditary Cancer Syndrome; Neoplastic Syndromes, Hereditary; Hereditary neoplastic syndrome; Tumor predisposition. Identifiers: Orphanet 140162, MedGen C0027672, MeSH D009386, MONDO:0015356.
Familial adenomatous polyposis 1 (FAP1). Also called: FAMILIAL ADENOMATOUS POLYPOSIS 1, ATTENUATED; POLYPOSIS, ADENOMATOUS INTESTINAL. Identifiers: MedGen C2713442, MONDO:0021056, OMIM 175100. Disease mechanism: loss of function.

Submissions (3):

Ambry Genetics
Classification: Uncertain significance for Hereditary cancer-predisposing syndrome. Last evaluated: 2026-07-12. Review status: criteria provided, single submitter. Criteria: Ambry Variant Classification Scheme 2023. Collection method: clinical testing. Allele origin: germline.
Comment: The p.S1964A variant (also known as c.5890T>G), located in coding exon 15 of the APC gene, results from a T to G substitution at nucleotide position 5890. The serine at codon 1964 is replaced by alanine, an amino acid with similar properties. This amino acid position is conserved. In addition, in silico predictors for this gene do not accurately predict pathogenicity. Based on the available evidence, the clinical significance of this variant remains unclear.

All of Us Research Program, National Institutes of Health
Classification: Uncertain significance for Classic or attenuated familial adenomatous polyposis. Last evaluated: 2023-06-26. Review status: criteria provided, single submitter. Criteria: ACMG Guidelines, 2015. Collection method: clinical testing. Allele origin: germline. Inheritance: Autosomal dominant inheritance. Observed: 1 variant allele, 1 heterozygote.
Comment: This missense variant replaces serine with alanine at codon 1964 of the APC protein. Computational prediction suggests that this variant may have deleterious impact on protein structure and function (internally defined REVEL score threshold >= 0.7, PMID: 27666373). To our knowledge, functional studies have not been reported for this variant. This variant has not been reported in individuals affected with APC-related disorders in the literature. This variant has not been identified in the general population by the Genome Aggregation Database (gnomAD). The available evidence is insufficient to determine the role of this variant in disease conclusively. Therefore, this variant is classified as a Variant of Uncertain Significance.

This study involves interpretation of variants in research participants for the purpose of population health screening. Participant phenotype was not available at the time of variant classification. Additional details can be found in publication PMID: 35346344, PMCID: PMC8962531

Labcorp Genetics (formerly Invitae), Labcorp
Classification: Uncertain significance for Familial adenomatous polyposis 1. Last evaluated: 2021-06-17. Review status: criteria provided, single submitter. Criteria: Invitae Variant Classification Sherloc (09022015). Collection method: clinical testing. Allele origin: germline.
Comment: This variant has not been reported in the literature in individuals with APC-related conditions. In summary, the available evidence is currently insufficient to determine the role of this variant in disease. Therefore, it has been classified as a Variant of Uncertain Significance. Algorithms developed to predict the effect of missense changes on protein structure and function are either unavailable or do not agree on the potential impact of this missense change (SIFT: "Deleterious"; PolyPhen-2: "Probably Damaging"; Align-GVGD: "Class C0"). This variant is not present in population databases (ExAC no frequency). This sequence change replaces serine with alanine at codon 1964 of the APC protein (p.Ser1964Ala). The serine residue is highly conserved and there is a moderate physicochemical difference between serine and alanine.

NM_000038.6(APC):c.5890T>G (p.Ser1964Ala)

Gene: APC (APC regulator of Wnt signaling pathway; plus strand). Cytogenetic location: 5q22.2.
Variant type: single nucleotide variant.
Coding change: c.5890T>G on transcript NM_000038.6 (MANE Select); coding-DNA position 5890, T replaced by G.
Protein change: p.Ser1964Ala; replaces serine 1964 with alanine.
Molecular consequence: missense variant.
Genome position (GRCh38, 1-based): chr5:112,841,484, T>G. VCF-style: chr5-112841484-T-G. GRCh37 (hg19) VCF-style: chr5-112177181-T-G.
Other names: c.5890T>G, p.Ser1964Ala (NM_001127510.3, NM_001354895.2); c.5836T>G, p.Ser1946Ala (NM_001127511.3); c.5944T>G, p.Ser1982Ala (NM_001354896.2); c.5920T>G, p.Ser1974Ala (NM_001354897.2); c.5815T>G, p.Ser1939Ala (NM_001354898.2); c.5806T>G, p.Ser1936Ala (NM_001354899.2); c.5767T>G, p.Ser1923Ala (NM_001354900.2); c.5713T>G, p.Ser1905Ala (NM_001354901.2); and 6 more; short protein forms S1838A, S1946A, S1863A, S1939A, S1974A, S1681A, S1804A, S1873A.
Identifiers: ClinVar variation 1361978 (VCV001361978.10), dbSNP rs2149951912, ClinGen allele CA16034221.